The following is an entry in ClinVar:

NM_030957.4(ADAMTS10):c.2157C>T (p.Ala719=)

Gene: ADAMTS10 (ADAM metallopeptidase with thrombospondin type 1 motif 10; minus strand). Cytogenetic location: 19p13.2.
Variant type: single nucleotide variant.
Coding change: c.2157C>T on transcript NM_030957.4 (MANE Select); coding-DNA position 2157, C replaced by T.
Protein change: p.Ala719=; no amino-acid change (alanine 719 retained).
Molecular consequence: synonymous variant.
Genome position (GRCh38, 1-based): chr19:8,589,243, G>A on the plus strand (C>T on the coding strand, the complement: ADAMTS10 is on the minus strand). VCF-style: chr19-8589243-G-A. GRCh37 (hg19) VCF-style: chr19-8654127-G-A.
Other names: c.618C>T, p.Ala206= (NM_001282352.2).
Identifiers: ClinVar variation 2181965 (VCV002181965.4), dbSNP rs150468696, ClinGen allele CA505422769.

ClinVar aggregate classification (germline): Uncertain significance (1 of 4 stars; one submission).

gnomAD v4.1: 9 of 1,612,466 alleles (0.00056%); highest among the groups gnomAD compares: South Asian, 0.0033%; no homozygotes.

Submission:

Labcorp Genetics (formerly Invitae), Labcorp
Classification: Uncertain significance. Last evaluated: 2022-12-06. Review status: criteria provided, single submitter. Criteria: Invitae Variant Classification Sherloc (09022015). Collection method: clinical testing. Allele origin: germline.
Comment: This sequence change affects codon 719 of the ADAMTS10 mRNA. It is a 'silent' change, meaning that it does not change the encoded amino acid sequence of the ADAMTS10 protein. It affects a nucleotide within the consensus splice site. The frequency data for this variant in the population databases is considered unreliable, as metrics indicate poor data quality at this position in the gnomAD database. This variant has not been reported in the literature in individuals affected with ADAMTS10-related conditions. Algorithms developed to predict the effect of sequence changes on RNA splicing suggest that this variant is not likely to affect RNA splicing. In summary, the available evidence is currently insufficient to determine the role of this variant in disease. Therefore, it has been classified as a Variant of Uncertain Significance.